The following is an entry in ClinVar:

ClinVar aggregate classification (germline): Uncertain significance (1 of 4 stars; one submission).

Conditions:
DICER1-related tumor predisposition. Also called: DICER1 syndrome; DICER1-related pleuropulmonary blastoma cancer predisposition syndrome. Identifiers: Orphanet 284343, MedGen C3839822, MONDO:0100216.

Submission:

Labcorp Genetics (formerly Invitae), Labcorp
Classification: Uncertain significance for DICER1-related tumor predisposition. Last evaluated: 2025-07-04. Review status: criteria provided, single submitter. Criteria: Invitae Variant Classification Sherloc (09022015). Collection method: clinical testing. Allele origin: germline.
Comment: This sequence change falls in intron 3 of the DICER1 gene. It does not directly change the encoded amino acid sequence of the DICER1 protein. This variant is not present in population databases (gnomAD no frequency). This variant has not been reported in the literature in individuals affected with DICER1-related conditions. Algorithms developed to predict the effect of sequence changes on RNA splicing suggest that this variant may disrupt the consensus splice site. In summary, the available evidence is currently insufficient to determine the role of this variant in disease. Therefore, it has been classified as a Variant of Uncertain Significance.

NM_177438.3(DICER1):c.308-13T>C

Gene: DICER1 (dicer 1, ribonuclease III; minus strand). Cytogenetic location: 14q32.13.
Variant type: single nucleotide variant.
Coding change: c.308-13T>C on transcript NM_177438.3 (MANE Select); 13 bases into the intron before coding-DNA position 308, T replaced by C.
Molecular consequence: intron variant.
Genome position (GRCh38, 1-based): chr14:95,131,652, A>G on the plus strand (T>C on the coding strand, the complement: DICER1 is on the minus strand). VCF-style: chr14-95131652-A-G. GRCh37 (hg19) VCF-style: chr14-95597989-A-G.
Other names: c.308-13T>C (NM_001291628.2, NM_030621.4, NM_001395677.1 and 14 more transcripts); c.33+863T>C (NM_001395690.1, NM_001395687.1, NM_001395689.1 and 3 more transcripts); c.34-21T>C (NM_001395686.1); c.-151-13T>C (NM_001395691.1); c.-1261-13T>C (NM_001395697.1).
Identifiers: ClinVar variation 4722676 (VCV004722676.1).